The following is an entry in ClinVar:

ClinVar aggregate classification (germline): Likely benign (1 of 4 stars; one submission).

Submission:

CeGaT Center for Human Genetics Tuebingen
Classification: Likely benign. Last evaluated: 2022-10-01. Review status: criteria provided, single submitter. Criteria: CeGaT Center For Human Genetics Tuebingen Variant Classification Criteria Version 2. Collection method: clinical testing. Allele origin: germline. Affected: yes. Observed: 1 variant allele.
Comment: HYDIN: PM2:Supporting, BP4, BP7

NM_001270974.2(HYDIN):c.4090C>T (p.Leu1364=)

Genes: HYDIN (HYDIN axonemal central pair apparatus protein; minus strand), LOC121587554 (CDK7 strongly-dependent group 2 enhancer GRCh37_chr16:71020999-71022198; plus strand). Cytogenetic location: 16q22.2.
Variant type: single nucleotide variant.
Coding change: c.4090C>T on transcript NM_001270974.2 (MANE Select); coding-DNA position 4090, C replaced by T.
Protein change: p.Leu1364=; no amino-acid change (leucine 1364 retained).
Molecular consequence: synonymous variant.
Genome position (GRCh38, 1-based): chr16:70,988,028, G>A on the plus strand (C>T on the coding strand, the complement: HYDIN is on the minus strand). VCF-style: chr16-70988028-G-A. GRCh37 (hg19) VCF-style: chr16-71021931-G-A.
Identifiers: ClinVar variation 2646777 (VCV002646777.24), dbSNP rs2507189409, ClinGen allele CA496252333.